The following is an entry in ClinVar:

ClinVar aggregate classification (germline): Uncertain significance. Review status: criteria provided, multiple submitters, no conflicts (2 of 4 stars). 2 submissions from 2 submitters: Uncertain significance (2). Last evaluated 2023-02-07.

Conditions:
Landau-Kleffner syndrome (FESD). Also called: EPILEPSY, FOCAL, WITH SPEECH DISORDER AND WITH OR WITHOUT MENTAL RETARDATION; APHASIA, ACQUIRED, WITH EPILEPSY. Identifiers: Orphanet 1945, Orphanet 725, Orphanet 98818, MedGen C0282512, MONDO:0009509, OMIM 245570.

Submissions (2):

GeneDx
Classification: Uncertain significance. Last evaluated: 2023-02-07. Review status: criteria provided, single submitter. Criteria: GeneDx Variant Classification Process June 2021. Collection method: clinical testing. Allele origin: germline. Affected: yes.
Comment: Not observed at significant frequency in large population cohorts (gnomAD); In silico analysis supports that this missense variant does not alter protein structure/function; Has not been previously published as pathogenic or benign to our knowledge

Labcorp Genetics (formerly Invitae), Labcorp
Classification: Uncertain significance for Landau-Kleffner syndrome. Last evaluated: 2020-12-19. Review status: criteria provided, single submitter. Criteria: Invitae Variant Classification Sherloc (09022015). Collection method: clinical testing. Allele origin: germline.
Comment: In summary, the available evidence is currently insufficient to determine the role of this variant in disease. Therefore, it has been classified as a Variant of Uncertain Significance. Advanced modeling of protein sequence and biophysical properties (such as structural, functional, and spatial information, amino acid conservation, physicochemical variation, residue mobility, and thermodynamic stability) performed at Invitae indicates that this missense variant is not expected to disrupt GRIN2A protein function. This variant has not been reported in the literature in individuals with GRIN2A-related conditions. This variant is not present in population databases (ExAC no frequency). This sequence change replaces leucine with valine at codon 859 of the GRIN2A protein (p.Leu859Val). The leucine residue is moderately conserved and there is a small physicochemical difference between leucine and valine.

NM_001134407.3(GRIN2A):c.2575T>G (p.Leu859Val)

Gene: GRIN2A (glutamate ionotropic receptor NMDA type subunit 2A; minus strand). Cytogenetic location: 16p13.2.
Variant type: single nucleotide variant.
Coding change: c.2575T>G on transcript NM_001134407.3 (MANE Select); coding-DNA position 2575, T replaced by G.
Protein change: p.Leu859Val; replaces leucine 859 with valine.
Molecular consequence: missense variant.
Genome position (GRCh38, 1-based): chr16:9,768,871, A>C on the plus strand (T>G on the coding strand, the complement: GRIN2A is on the minus strand). VCF-style: chr16-9768871-A-C. GRCh37 (hg19) VCF-style: chr16-9862728-A-C.
Other names: c.2575T>G, p.Leu859Val (NM_000833.5, NM_001134408.2); c.2575T>G (NM_000833.3); short protein forms L859V.
Identifiers: ClinVar variation 1495147 (VCV001495147.9), dbSNP rs1596382621, ClinGen allele CA394709842.
Genomic context (GRCh38, chr16:9,768,871, plus strand): 5'-CTGCTTGCAGTGCAAGAAAGTAGCCACCCGGTGTACTGACCCTGCTGATGGAGAAGAGCA[A>C]CCCAGGCCGGTCGGAGCACACGCCCGTGAAACAGAAGCGCAGCTTCCAGTAGAAGAGGTG-3'
Protein context (NP_001127879.1, residues 849-869): FTGVCSDRPG[Leu859Val]LFSISRGIYS